The following is an entry in ClinVar:

ClinVar aggregate classification (germline): Uncertain significance. Review status: criteria provided, multiple submitters, no conflicts (2 of 4 stars). 5 submissions from 5 submitters: Uncertain significance (5). Last evaluated 2025-10-08.

Conditions:
Hereditary cancer-predisposing syndrome. Also called: Neoplastic Syndromes, Hereditary; Tumor predisposition; Hereditary Cancer Syndrome; Hereditary neoplastic syndrome. Identifiers: Orphanet 140162, MedGen C0027672, MeSH D009386, MONDO:0015356.
Retinoblastoma (RB1). Also called: RETINOBLASTOMA, SOMATIC. Identifiers: Orphanet 790, MedGen C0035335, MeSH D012175, MONDO:0008380, OMIM 180200, HP:0009919. Disease mechanism: loss of function. Inheritance: Both sporadic and heritable forms are tested..

Allele frequency attached by ClinVar (database versions not stated): gnomAD exomes below 0.00001.

Submissions (5):

Labcorp Genetics (formerly Invitae), Labcorp
Classification: Uncertain significance for Retinoblastoma. Last evaluated: 2025-10-08. Review status: criteria provided, single submitter. Criteria: Invitae Variant Classification Sherloc (09022015). Collection method: clinical testing. Allele origin: germline.
Comment: This sequence change replaces glycine, which is neutral and non-polar, with alanine, which is neutral and non-polar, at codon 100 of the RB1 protein (p.Gly100Ala). This variant is present in population databases (no rsID available, gnomAD 0.0009%). This variant has not been reported in the literature in individuals affected with RB1-related conditions. ClinVar contains an entry for this variant (Variation ID: 312282). Invitae Evidence Modeling of protein sequence and biophysical properties (such as structural, functional, and spatial information, amino acid conservation, physicochemical variation, residue mobility, and thermodynamic stability) indicates that this missense variant is not expected to disrupt RB1 protein function with a negative predictive value of 80%. In summary, the available evidence is currently insufficient to determine the role of this variant in disease. Therefore, it has been classified as a Variant of Uncertain Significance.

Color Diagnostics, LLC DBA Color Health
Classification: Uncertain significance for Retinoblastoma. Last evaluated: 2025-06-09. Review status: criteria provided, single submitter. Criteria: ACMG Guidelines, 2015. Collection method: clinical testing. Allele origin: germline.
Comment: This missense variant replaces glycine with alanine at codon 100 of the RB1 protein. Computational prediction suggests that this variant may not impact protein structure and function. To our knowledge, functional studies have not been reported for this variant. This variant has not been reported in individuals affected with RB1-related disorders in the literature. This variant has been identified in 1/251202 chromosomes in the general population by the Genome Aggregation Database (gnomAD). The available evidence is insufficient to determine the role of this variant in disease conclusively. Therefore, this variant is classified as a Variant of Uncertain Significance.

Ambry Genetics
Classification: Uncertain significance for Hereditary cancer-predisposing syndrome. Last evaluated: 2024-11-18. Review status: criteria provided, single submitter. Criteria: Ambry Variant Classification Scheme 2023. Collection method: clinical testing. Allele origin: germline.
Comment: The p.G100A variant (also known as c.299G>C), located in coding exon 3 of the RB1 gene, results from a G to C substitution at nucleotide position 299. The glycine at codon 100 is replaced by alanine, an amino acid with similar properties. This amino acid position is conserved. In addition, the in silico prediction for this alteration is inconclusive. Since supporting evidence is limited at this time, the clinical significance of this alteration remains unclear.

All of Us Research Program, National Institutes of Health
Classification: Uncertain significance for Retinoblastoma. Last evaluated: 2024-09-23. Review status: criteria provided, single submitter. Criteria: ACMG Guidelines, 2015. Collection method: clinical testing. Allele origin: germline. Inheritance: Autosomal dominant inheritance. Observed: 3 variant alleles, 3 heterozygotes.
Comment: This study involves interpretation of variants in research participants for the purpose of population health screening. Participant phenotype was not available at the time of variant classification. Additional details can be found in publication PMID: 35346344, PMCID: PMC8962531

Illumina Laboratory Services, Illumina
Classification: Uncertain significance for Retinoblastoma. Last evaluated: 2018-01-13. Review status: criteria provided, single submitter. Criteria: ICSL Variant Classification Criteria 13 December 2019. Collection method: clinical testing. Allele origin: germline.

NM_000321.3(RB1):c.299G>C (p.Gly100Ala)

Gene: RB1 (RB transcriptional corepressor 1; plus strand). Cytogenetic location: 13q14.2.
Variant type: single nucleotide variant.
Coding change: c.299G>C on transcript NM_000321.3 (MANE Select); coding-DNA position 299, G replaced by C.
Protein change: p.Gly100Ala; replaces glycine 100 with alanine.
Molecular consequence: missense variant.
Genome position (GRCh38, 1-based): chr13:48,342,633, G>C. VCF-style: chr13-48342633-G-C. GRCh37 (hg19) VCF-style: chr13-48916769-G-C.
Other names: short protein forms G100A.
Identifiers: ClinVar variation 312282 (VCV000312282.14), dbSNP rs886050268, ClinGen allele CA10639629.